The following is an entry in ClinVar:

NM_177438.3(DICER1):c.4242_4250dup (p.Asp1416_Glu1418dup)

Gene: DICER1 (dicer 1, ribonuclease III; minus strand). Cytogenetic location: 14q32.13.
Variant type: Duplication.
Coding change: c.4242_4250dup on transcript NM_177438.3 (MANE Select); coding-DNA positions 4242 to 4250, 9 bases duplicated (TGAGGATTA; older notation c.4242_4250dupTGAGGATTA).
Protein change: p.Asp1416_Glu1418dup.
Molecular consequence: inframe insertion.
Genome position (GRCh38, 1-based): chr14:95,096,670-95,096,678, TAATCCTCA duplicated on the plus strand (TGAGGATTA on the coding strand, the reverse complement: DICER1 is on the minus strand); duplicating any 9 consecutive bases within chr14:95,096,670-95,096,679 gives the same sequence; the c. name uses the placement nearest the transcript's 3' end. VCF-style (leftmost placement, unchanged base first): chr14-95096669-G-GTAATCCTCA. GRCh37 (hg19) VCF-style: chr14-95563006-G-GTAATCCTCA.
Other names: c.4242_4250dupTGAGGATTA (NM_177438.2); c.4242_4250dup, p.Asp1416_Glu1418dup (NM_001195573.1, NM_001271282.3, NM_001291628.2 and 1 more transcripts).
Identifiers: ClinVar variation 647668 (VCV000647668.11), dbSNP rs1595342796, ClinGen allele CA915946362.

ClinVar aggregate classification (germline): Uncertain significance. Review status: criteria provided, multiple submitters, no conflicts (2 of 4 stars). 2 submissions from 2 submitters: Uncertain significance (2). Last evaluated 2023-08-31.

Conditions:
Hereditary cancer-predisposing syndrome. Also called: Hereditary Cancer Syndrome; Tumor predisposition; Neoplastic Syndromes, Hereditary; Hereditary neoplastic syndrome. Identifiers: Orphanet 140162, MedGen C0027672, MeSH D009386, MONDO:0015356.
DICER1-related tumor predisposition. Also called: DICER1-related pleuropulmonary blastoma cancer predisposition syndrome; DICER1 syndrome. Identifiers: Orphanet 284343, MedGen C3839822, MONDO:0100216.

Submissions (2):

Ambry Genetics
Classification: Uncertain significance for Hereditary cancer-predisposing syndrome. Last evaluated: 2023-08-31. Review status: criteria provided, single submitter. Criteria: Ambry Variant Classification Scheme 2023. Collection method: clinical testing. Allele origin: germline.
Comment: The c.4242_4250dupTGAGGATTA variant (also known as p.E1418_E1419insEDY), located in coding exon 22 of the DICER1 gene, results from an in-frame duplication of TGAGGATTA at nucleotide positions 4242 to 4250. This results in the duplication of 3 extra residues between codons 1418 and 1419. This amino acid region is not well conserved in available vertebrate species. In addition, the in silico prediction for this alteration is inconclusive (Choi Y et al. PLoS ONE. 2012; 7(10):e46688). Since supporting evidence is limited at this time, the clinical significance of this alteration remains unclear.

Labcorp Genetics (formerly Invitae), Labcorp
Classification: Uncertain significance for DICER1-related tumor predisposition. Last evaluated: 2018-08-12. Review status: criteria provided, single submitter. Criteria: Invitae Variant Classification Sherloc (09022015). Collection method: clinical testing. Allele origin: germline.
Comment: This sequence change inserts 9 nucleotides in exon 23 of the DICER1 mRNA (c.4242_4250dupTGAGGATTA). This leads to the insertion of 3 amino acid residues in the DICER1 protein (p.Asp1416_Glu1418dup) but otherwise preserves the integrity of the reading frame. This variant is not present in population databases (ExAC no frequency) and has not been reported in the literature in individuals with a DICER1-related disease. Experimental studies and prediction algorithms are not available for this variant, and the functional significance of the duplicated amino acids is currently unknown. In summary, this variant is a novel in-frame duplication with uncertain impact on protein function. It has been classified as a Variant of Uncertain Significance.